The following is an entry in ClinVar:

ClinVar aggregate classification (germline): Uncertain significance. Review status: criteria provided, multiple submitters, no conflicts (2 of 4 stars). 5 submissions from 5 submitters: Uncertain significance (4). 1 of the submissions does not count toward it. Last evaluated 2023-11-27.

Conditions:
Meckel syndrome, type 4 (MKS4). Also called: MECKEL-GRUBER SYNDROME, TYPE 4. Identifiers: Orphanet 564, MedGen C1970161, MONDO:0012626, OMIM 611134.
Bardet-Biedl syndrome 14 (BBS14). Identifiers: Orphanet 110, MedGen C2673874, MONDO:0014442, OMIM 615991.
Joubert syndrome 5 (JBTS5). Identifiers: Orphanet 2318, MedGen C1857780, MONDO:0012432, OMIM 610188.
Leber congenital amaurosis 10 (LCA10). Identifiers: Orphanet 65, MedGen C1857821, MONDO:0012723, OMIM 611755.
Senior-Loken syndrome 6 (SLSN6). Identifiers: Orphanet 3156, MedGen C1857779, MONDO:0012433, OMIM 610189.
Leber congenital amaurosis (LCA). Also called: Leber's amaurosis. Identifiers: Orphanet 65, MedGen C0339527, MeSH D057130, MONDO:0018998.
CEP290-related disorder. Also called: CEP290-related condition; CEP290-related disorders. Identifiers: MedGen CN239314.
Joubert syndrome. Also called: JOUBERT-BOLTSHAUSER SYNDROME; Familial aplasia of the vermis. Identifiers: Orphanet 475, MedGen C5979921, MONDO:0018772.
Nephronophthisis. Also called: Juvenile Nephronophthisis. Identifiers: Orphanet 655, MedGen C0687120, MONDO:0019005, HP:0000090.
Meckel-Gruber syndrome. Also called: DYSENCEPHALIA SPLANCHNOCYSTICA; GRUBER SYNDROME; Dysencephalia splachnocystica. Identifiers: Orphanet 564, MedGen C0265215, MONDO:0018921.

Allele frequency attached by ClinVar (database versions not stated): gnomAD exomes below 0.00001 and 0.00001; TOPMed below 0.00001; gnomAD 0.00001; ExAC 0.00005.
gnomAD v4.1: 5 of 1,455,746 alleles (0.00034%); highest among the groups gnomAD compares: Non-Finnish European, 0.00047%; no homozygotes.

Submissions (5):

Labcorp Genetics (formerly Invitae), Labcorp
Classification: Uncertain significance for Joubert syndrome; Meckel-Gruber syndrome; Nephronophthisis. Last evaluated: 2023-11-27. Review status: criteria provided, single submitter. Criteria: Invitae Variant Classification Sherloc (09022015). Collection method: clinical testing. Allele origin: germline.
Comment: This sequence change replaces serine, which is neutral and polar, with asparagine, which is neutral and polar, at codon 1808 of the CEP290 protein (p.Ser1808Asn). This variant is present in population databases (rs763278328, gnomAD 0.001%). This variant has not been reported in the literature in individuals affected with CEP290-related conditions. ClinVar contains an entry for this variant (Variation ID: 1017868). Advanced modeling of protein sequence and biophysical properties (such as structural, functional, and spatial information, amino acid conservation, physicochemical variation, residue mobility, and thermodynamic stability) performed at Invitae indicates that this missense variant is not expected to disrupt CEP290 protein function with a negative predictive value of 80%. In summary, the available evidence is currently insufficient to determine the role of this variant in disease. Therefore, it has been classified as a Variant of Uncertain Significance.

PreventionGenetics, part of Exact Sciences
Classification: Uncertain significance for CEP290-related condition. Last evaluated: 2023-03-02. Review status: criteria provided, single submitter. Criteria: ACMG Guidelines, 2015. Collection method: clinical testing. Allele origin: germline.
Comment: The CEP290 c.5423G>A variant is predicted to result in the amino acid substitution p.Ser1808Asn. To our knowledge, this variant has not been reported in the literature. This variant is reported in 0.0029% of alleles in individuals of European (Non-Finnish) descent in gnomAD. At this time, the clinical significance of this variant is uncertain due to the absence of conclusive functional and genetic evidence.

Fulgent Genetics
Classification: Uncertain significance for Joubert syndrome 5; Senior-Loken syndrome 6; Meckel syndrome, type 4; Leber congenital amaurosis 10; Bardet-Biedl syndrome 14. Last evaluated: 2021-08-09. Review status: criteria provided, single submitter. Criteria: ACMG Guidelines, 2015. Collection method: clinical testing. Allele origin: unknown.

Blueprint Genetics
Classification: Uncertain significance. Last evaluated: 2021-01-20. Review status: criteria provided, single submitter. Criteria: ACMG Guidelines, 2015. Collection method: clinical testing. Allele origin: germline.

Natera, Inc.
Classification: Uncertain significance for Leber congenital amaurosis. Last evaluated: 2020-04-09. Review status: no assertion criteria provided. Collection method: clinical testing. Allele origin: germline. Not counted in ClinVar's aggregate classification.

NM_025114.4(CEP290):c.5423G>A (p.Ser1808Asn)

Gene: CEP290 (centrosomal protein 290; minus strand). Cytogenetic location: 12q21.32.
Variant type: single nucleotide variant.
Coding change: c.5423G>A on transcript NM_025114.4 (MANE Select); coding-DNA position 5423, G replaced by A.
Protein change: p.Ser1808Asn; replaces serine 1808 with asparagine.
Molecular consequence: missense variant.
Genome position (GRCh38, 1-based): chr12:88,077,860, C>T on the plus strand (G>A on the coding strand, the complement: CEP290 is on the minus strand). VCF-style: chr12-88077860-C-T. GRCh37 (hg19) VCF-style: chr12-88471637-C-T.
Other names: c.5423G>A (NM_025114.3); short protein forms S1808N.
Identifiers: ClinVar variation 1017868 (VCV001017868.8), dbSNP rs763278328, ClinGen allele CA6711719.